The following is an entry in ClinVar:

NM_004448.4(ERBB2):c.7C>G (p.Leu3Val)

Gene: ERBB2 (erb-b2 receptor tyrosine kinase 2; plus strand). Cytogenetic location: 17q12.
Variant type: single nucleotide variant.
Coding change: c.7C>G on transcript NM_004448.4 (MANE Select); coding-DNA position 7, C replaced by G.
Protein change: p.Leu3Val; replaces leucine 3 with valine.
Molecular consequence: missense variant. On other transcripts: 5 prime UTR variant (1), non-coding transcript variant (1), intron variant (4).
Genome position (GRCh38, 1-based): chr17:39,700,245, C>G. VCF-style: chr17-39700245-C-G. GRCh37 (hg19) VCF-style: chr17-37856498-C-G.
Other names: c.7C>G, p.Leu3Val (NM_001289937.2, NM_001382784.1, NM_001382785.1 and 21 more transcripts); c.-209C>G (NM_001382783.1); c.-18+5064C>G (NM_001382782.1, NM_001005862.3, NM_001289938.2); c.28+658C>G (NM_001289936.2); short protein forms L3V.
Identifiers: ClinVar variation 1380257 (VCV001380257.8), dbSNP rs2058005545, ClinGen allele CA399266410.

ClinVar aggregate classification (germline): Uncertain significance (1 of 4 stars; one submission).

Submission:

Labcorp Genetics (formerly Invitae), Labcorp
Classification: Uncertain significance. Last evaluated: 2022-08-16. Review status: criteria provided, single submitter. Criteria: Invitae Variant Classification Sherloc (09022015). Collection method: clinical testing. Allele origin: germline.
Comment: ClinVar contains an entry for this variant (Variation ID: 1380257). In summary, the available evidence is currently insufficient to determine the role of this variant in disease. Therefore, it has been classified as a Variant of Uncertain Significance. Algorithms developed to predict the effect of sequence changes on RNA splicing suggest that this variant may create or strengthen a splice site. Algorithms developed to predict the effect of missense changes on protein structure and function are either unavailable or do not agree on the potential impact of this missense change (SIFT: "Tolerated"; PolyPhen-2: "Not Available"; Align-GVGD: "Class C0"). This variant has not been reported in the literature in individuals affected with ERBB2-related conditions. This variant is not present in population databases (gnomAD no frequency). This sequence change replaces leucine, which is neutral and non-polar, with valine, which is neutral and non-polar, at codon 3 of the ERBB2 protein (p.Leu3Val).